The following is an entry in ClinVar:

ClinVar aggregate classification (germline): Uncertain significance (1 of 4 stars; one submission).

Conditions:
Hereditary cancer-predisposing syndrome. Also called: Neoplastic Syndromes, Hereditary; Tumor predisposition; Hereditary Cancer Syndrome; Hereditary neoplastic syndrome. Identifiers: Orphanet 140162, MedGen C0027672, MeSH D009386, MONDO:0015356.
Cardiovascular phenotype. Identifiers: MedGen CN230736.

Submission:

Ambry Genetics
Classification: Uncertain significance for Cardiovascular phenotype; Hereditary cancer-predisposing syndrome. Last evaluated: 2022-09-30. Review status: criteria provided, single submitter. Criteria: Ambry Variant Classification Scheme 2023. Collection method: clinical testing. Allele origin: germline.
Comment: The c.3767T>A variant (also known as p.L1256Q), located in coding exon 28 of the NF1 gene, results from a T to A substitution at nucleotide position 3767. The leucine at codon 1256 is replaced by glutamine, an amino acid with dissimilar properties. This nucleotide position is highly conserved in available vertebrate species. In silico splice site analysis predicts that this alteration will result in the creation or strengthening of a novel splice acceptor site. RNA studies have demonstrated that this alteration results in a transcript predicted to lead to a protein with an in-frame deletion of 20 amino acid(s); however, the exact functional impact of the deleted amino acid(s) is unknown at this time (Ambry internal data). Since supporting evidence is limited at this time, the clinical significance of this alteration remains unclear.

NM_001042492.3(NF1):c.3767T>A (p.Leu1256Gln)

Gene: NF1 (neurofibromin 1; plus strand). Cytogenetic location: 17q11.2.
Variant type: single nucleotide variant.
Coding change: c.3767T>A on transcript NM_001042492.3 (MANE Select); coding-DNA position 3767, T replaced by A.
Protein change: p.Leu1256Gln; replaces leucine 1256 with glutamine.
Molecular consequence: missense variant.
Genome position (GRCh38, 1-based): chr17:31,235,669, T>A. VCF-style: chr17-31235669-T-A. GRCh37 (hg19) VCF-style: chr17-29562687-T-A.
Other names: c.3767T>A, p.Leu1256Gln (NM_000267.4); short protein forms L1256Q.
Identifiers: ClinVar variation 1734726 (VCV001734726.2), dbSNP rs1555615457, ClinGen allele CA398992525.